The following is an entry in ClinVar:

NM_005876.5(SPEG):c.3680G>A (p.Arg1227His)

Gene: SPEG (striated muscle enriched protein kinase; plus strand). Cytogenetic location: 2q35.
Variant type: single nucleotide variant.
Coding change: c.3680G>A on transcript NM_005876.5 (MANE Select); coding-DNA position 3680, G replaced by A.
Protein change: p.Arg1227His; replaces arginine 1227 with histidine.
Molecular consequence: missense variant.
Genome position (GRCh38, 1-based): chr2:219,469,344, G>A. VCF-style: chr2-219469344-G-A. GRCh37 (hg19) VCF-style: chr2-220334066-G-A.
Other names: c.3680G>A (NM_005876.4); short protein forms R1227H.
Identifiers: ClinVar variation 1434899 (VCV001434899.5), dbSNP rs760564290, ClinGen allele CA2126235.

ClinVar aggregate classification (germline): Uncertain significance. Review status: criteria provided, multiple submitters, no conflicts (2 of 4 stars). 2 submissions from 2 submitters: Uncertain significance (2). Last evaluated 2024-12-28.

Conditions:
Inborn genetic diseases. Identifiers: MedGen C0950123, MeSH D030342.

Allele frequency attached by ClinVar (database versions not stated): TOPMed below 0.00001; gnomAD 0.00001; gnomAD exomes 0.00004 and 0.00015; ExAC 0.00028.
gnomAD v4.1: 62 of 1,613,642 alleles (0.0038%); highest among the groups gnomAD compares: Non-Finnish European, 0.0047%; no homozygotes.

Submissions (2):

Ambry Genetics
Classification: Uncertain significance for Inborn genetic diseases. Last evaluated: 2024-12-28. Review status: criteria provided, single submitter. Criteria: Ambry Variant Classification Scheme 2023. Collection method: clinical testing. Allele origin: germline.

Labcorp Genetics (formerly Invitae), Labcorp
Classification: Uncertain significance. Last evaluated: 2022-08-16. Review status: criteria provided, single submitter. Criteria: Invitae Variant Classification Sherloc (09022015). Collection method: clinical testing. Allele origin: germline.
Comment: This variant is present in population databases (rs760564290, gnomAD 0.03%). This sequence change replaces arginine, which is basic and polar, with histidine, which is basic and polar, at codon 1227 of the SPEG protein (p.Arg1227His). This variant has not been reported in the literature in individuals affected with SPEG-related conditions. In summary, the available evidence is currently insufficient to determine the role of this variant in disease. Therefore, it has been classified as a Variant of Uncertain Significance. Algorithms developed to predict the effect of missense changes on protein structure and function are either unavailable or do not agree on the potential impact of this missense change (SIFT: "Deleterious"; PolyPhen-2: "Probably Damaging"; Align-GVGD: "Class C0"). ClinVar contains an entry for this variant (Variation ID: 1434899).